The following is an entry in ClinVar:

ClinVar aggregate classification (germline): Likely pathogenic. Review status: reviewed by expert panel (3 of 4 stars). 3 submissions from 3 submitters: Likely pathogenic (1). 2 of the submissions do not count toward it. Last evaluated 2025-12-02.

Conditions:
Glycogen storage disease, type II (IOPD). Also called: Glucosidase acid-1,4-alpha deficiency; Pompe Disease; POMPE DISEASE, INFANTILE-ONSET; GLYCOGEN STORAGE DISEASE II, INFANTILE-ONSET; ACID ALPHA-GLUCOSIDASE DEFICIENCY, INFANTILE-ONSET; GAA DEFICIENCY, INFANTILE-ONSET. Identifiers: Orphanet 365, MedGen C0017921, MONDO:0009290, OMIM 232300.

Submissions (3):

ClinGen Lysosomal Storage Disorder Variant Curation Expert Panel
Classification: Likely pathogenic for Glycogen storage disease, type II. Last evaluated: 2025-12-02. Review status: reviewed by expert panel. Criteria: clingen_lsd_acmg_specifications_v2-1. Collection method: curation. Allele origin: germline. Inheritance: Autosomal recessive inheritance.
Comment: The NM_000152.5:c.1754+2T>C variant in GAA occurs within the canonical splice donor site of intron 12. It is predicted to cause skipping of biologically-relevant-exon 12/20, resulting in a frameshift leading to nonsense mediated decay in a gene in which loss-of-function is an established disease mechanism (PVS1). The variant is absent in gnomAD v4.1.0 (PM2_Supporting). There is a variant, c.1754+2T>A, at the same nucleotide position with same predicted impact, classified as pathogenic for Pompe disease by the ClinGen Lysosomal Diseases VCEP (Variation ID: 2736680) (PS1_Supporting). There is a ClinVar entry for this variant (Variation ID: 1945670). GAA-specific ACMG/AMP criteria met, as specified by the ClinGen LD VCEP (Specifications Version 2.0): PVS1, PM2_Supporting, PS1_Supporting. While this variant meets the criteria to be classified as pathogenic for Pompe disease, the classification has been downgraded to likely pathogenic due to lack of any reports on an affected individuals with this variant or any functional or RT-PCR data. (Classification, modified to likely pathogenic, approved by the ClinGen Lysosomal Diseases Variant Curation Expert Panel on December 2, 2025)

Genomenon, Inc
Classification: Likely pathogenic for Glycogen storage disease, type II. Last evaluated: 2026-07-01. Review status: criteria provided, single submitter. Criteria: Genomenon Sequence Variant Interpretation Standards - Updated. Collection method: curation. Allele origin: germline. Affected: no. Not counted in ClinVar's aggregate classification.
Comment: GAA c.1754+2T>C is a canonical splice variant affecting the donor splice site of intron 12. It is predicted to affect mRNA splicing, leading to a deleterious effect on the GAA protein. This variant has been reported in the published literature (PMID:33560568). It is absent or not present at a significant frequency in gnomAD. In conclusion, we classify GAA c.1754+2T>C as a likely pathogenic variant.

Labcorp Genetics (formerly Invitae), Labcorp
Classification: Pathogenic for Glycogen storage disease, type II. Last evaluated: 2022-05-29. Review status: criteria provided, single submitter. Criteria: Invitae Variant Classification Sherloc (09022015). Collection method: clinical testing. Allele origin: germline. Not counted in ClinVar's aggregate classification.
Comment: This sequence change affects a donor splice site in intron 12 of the GAA gene. It is expected to disrupt RNA splicing. Variants that disrupt the donor or acceptor splice site typically lead to a loss of protein function (PMID: 16199547), and loss-of-function variants in GAA are known to be pathogenic (PMID: 18425781, 22252923). This variant is not present in population databases (gnomAD no frequency). Algorithms developed to predict the effect of sequence changes on RNA splicing suggest that this variant may disrupt the consensus splice site. For these reasons, this variant has been classified as Pathogenic. Disruption of this splice site has been observed in individual(s) with Pompe disease (PMID: 19775921, 22252923). In at least one individual the data is consistent with being in trans (on the opposite chromosome) from a pathogenic variant.

Literature cited by the submitters: PubMed 33560568 (cited by Genomenon, Inc); PubMed 16199547 (cited by Labcorp Genetics (formerly Invitae), Labcorp); PubMed 18425781 (cited by Labcorp Genetics (formerly Invitae), Labcorp); PubMed 22252923 (cited by Labcorp Genetics (formerly Invitae), Labcorp); PubMed 19775921 (cited by Labcorp Genetics (formerly Invitae), Labcorp).

NM_000152.5(GAA):c.1754+2T>C

Gene: GAA (alpha glucosidase; plus strand). Cytogenetic location: 17q25.3.
Variant type: single nucleotide variant.
Coding change: c.1754+2T>C on transcript NM_000152.5 (MANE Select); the canonical splice donor site of the intron after coding-DNA position 1754, T replaced by C.
Molecular consequence: splice donor variant.
Genome position (GRCh38, 1-based): chr17:80,112,102, T>C. VCF-style: chr17-80112102-T-C. GRCh37 (hg19) VCF-style: chr17-78085901-T-C.
Other names: c.1754+2T>C (NM_001406741.1, NM_001406742.1, NM_001079803.3 and 1 more transcripts).
Identifiers: ClinVar variation 1945670 (VCV001945670.7), dbSNP rs2143884018, ClinGen allele CA401369202.